The following is an entry in ClinVar:

NM_004260.4(RECQL4):c.1900G>T (p.Val634Leu)

Gene: RECQL4 (RecQ like helicase 4; minus strand). Cytogenetic location: 8q24.3.
Variant type: single nucleotide variant.
Coding change: c.1900G>T on transcript NM_004260.4 (MANE Select); coding-DNA position 1900, G replaced by T.
Protein change: p.Val634Leu; replaces valine 634 with leucine.
Molecular consequence: missense variant. On other transcripts: non-coding transcript variant (3).
Genome position (GRCh38, 1-based): chr8:144,514,086, C>A on the plus strand (G>T on the coding strand, the complement: RECQL4 is on the minus strand). VCF-style: chr8-144514086-C-A. GRCh37 (hg19) VCF-style: chr8-145739470-C-A.
Other names: c.763G>T, p.Val255Leu (NM_001413027.1, NM_001413030.1, NM_001413032.1 and 1 more transcripts); c.829G>T, p.Val277Leu (NM_001413028.1, NM_001413034.1, NM_001413035.1 and 6 more transcripts); c.1549G>T, p.Val517Leu (NM_001413029.1); c.631G>T, p.Val211Leu (NM_001413031.1); c.1768G>T, p.Val590Leu (NM_001413033.1); c.1900G>T, p.Val634Leu (NM_001413036.1, NM_001413018.1, NM_001413019.1); c.1804G>T, p.Val602Leu (NM_001413017.1, NM_001413020.1); c.1771G>T, p.Val591Leu (NM_001413025.1); and 4 more; short protein forms V233L, V590L, V634L, V517L, V591L, V602L, V145L, V255L.
Identifiers: ClinVar variation 5028071 (VCV005028071.1).
Genomic context (GRCh38, chr8:144,514,086, plus strand): 5'-GTGCCACGTCACTGGCAGTGCGGCGTGTGGCTGTGGCTGTGAGGCCCAGGAAGCAGTGCA[C>A]GCCCATGCGCTCCCGAAGCACCTGCACCAGAGGCGGCAGTGGTGTGAGGCCGCCCAGCCC-3'
Protein context (NP_004251.4, residues 624-644): VCKVLRERMG[Val634Leu]HCFLGLTATA

ClinVar aggregate classification (germline): Uncertain significance (1 of 4 stars; one submission).

Conditions:
Inborn genetic diseases. Identifiers: MedGen C0950123, MeSH D030342.

Submission:

Ambry Genetics
Classification: Uncertain significance for Inborn genetic diseases. Last evaluated: 2026-06-20. Review status: criteria provided, single submitter. Criteria: Ambry Variant Classification Scheme 2023. Collection method: clinical testing. Allele origin: germline.
Comment: The p.V634L variant (also known as c.1900G>T), located in coding exon 12 of the RECQL4 gene, results from a G to T substitution at nucleotide position 1900. The valine at codon 634 is replaced by leucine, an amino acid with highly similar properties. This amino acid position is conserved. In addition, the in silico prediction for this alteration is inconclusive. Based on the available evidence, the clinical significance of this variant remains unclear.